The following is an entry in ClinVar:

NM_002160.4(TNC):c.1342C>G (p.Arg448Gly)

Gene: TNC (tenascin C; minus strand). Cytogenetic location: 9q33.1.
Variant type: single nucleotide variant.
Coding change: c.1342C>G on transcript NM_002160.4 (MANE Select); coding-DNA position 1342, C replaced by G.
Protein change: p.Arg448Gly; replaces arginine 448 with glycine.
Molecular consequence: missense variant.
Genome position (GRCh38, 1-based): chr9:115,086,389, G>C on the plus strand (C>G on the coding strand, the complement: TNC is on the minus strand). VCF-style: chr9-115086389-G-C. GRCh37 (hg19) VCF-style: chr9-117848668-G-C.
Other names: short protein forms R448G.
Identifiers: ClinVar variation 252600 (VCV000252600.13), dbSNP rs145086096, ClinGen allele CA5208836.

ClinVar aggregate classification (germline): Benign/Likely benign. Review status: criteria provided, multiple submitters, no conflicts (2 of 4 stars). 7 submissions from 7 submitters: Benign (3); Likely benign (3). 1 of the submissions does not count toward it. Last evaluated 2022-03-15.

Conditions:
Autosomal dominant nonsyndromic hearing loss 56. Also called: Deafness, autosomal dominant 56. Identifiers: Orphanet 90635, MedGen C3810170, MONDO:0014283, OMIM 615629.
TNC-related disorder. Also called: TNC-related condition.

Allele frequency attached by ClinVar (database versions not stated): 1000 Genomes Project 0.00200; 1000 Genomes Project 30x 0.00203; ExAC 0.00436; gnomAD exomes 0.00442; TOPMed 0.00447; ESP Exome Variant Server 0.00492.

Submissions (7):

Genome-Nilou Lab
Classification: Benign for Autosomal dominant nonsyndromic hearing loss 56. Last evaluated: 2022-03-15. Review status: criteria provided, single submitter. Criteria: ACMG Guidelines, 2015. Collection method: clinical testing. Allele origin: germline. Affected: no.

GeneDx
Classification: Benign. Last evaluated: 2020-01-28. Review status: criteria provided, single submitter. Criteria: GeneDx Variant Classification Process June 2021. Collection method: clinical testing. Allele origin: germline. Affected: yes.

Labcorp Genetics (formerly Invitae), Labcorp
Classification: Likely benign. Last evaluated: 2019-12-31. Review status: criteria provided, single submitter. Criteria: Invitae Variant Classification Sherloc (09022015). Collection method: clinical testing. Allele origin: germline.

Athena Diagnostics
Classification: Likely benign. Last evaluated: 2018-09-20. Review status: criteria provided, single submitter. Criteria: Athena Diagnostics Criteria. Collection method: clinical testing. Allele origin: germline.

Genomic Diagnostic Laboratory, Division of Genomic Diagnostics, Children's Hospital of Philadelphia
Classification: Benign. Last evaluated: 2015-08-10. Review status: criteria provided, single submitter. Criteria: DGD Variant Analysis Guidelines. Collection method: clinical testing. Allele origin: unknown.

Breakthrough Genomics
Classification: Likely benign. Review status: criteria provided, single submitter. Criteria: ACMG Guidelines, 2015. Collection method: not provided. Allele origin: germline. Inheritance: Autosomal dominant inheritance. Affected: yes.

PreventionGenetics, part of Exact Sciences
Classification: Benign for TNC-related condition. Last evaluated: 2019-10-18. Review status: no assertion criteria provided. Collection method: clinical testing. Allele origin: germline. Not counted in ClinVar's aggregate classification.
Comment: This variant is classified as benign based on ACMG/AMP sequence variant interpretation guidelines (Richards et al. 2015 PMID: 25741868, with internal and published modifications).